The following is an entry in ClinVar:

ClinVar aggregate classification (germline): Uncertain significance (1 of 4 stars; one submission).

Submission:

Women's Health and Genetics/Laboratory Corporation of America, LabCorp
Classification: Uncertain significance. Last evaluated: 2025-03-26. Review status: criteria provided, single submitter. Criteria: LabCorp Variant Classification Summary - May 2015. Collection method: clinical testing. Allele origin: germline.
Comment: Variant summary: The variant involves the duplication of exons 1-2 in the FMN2 gene. A presumed nomenclature of c.(?_-228)_(1782+1_1783-1)dup has been designated for the purposes of this classification. The exact breakpoint at the 5' end of this variant is unknown, therefore this duplication may extend upstream of the annotated region of this gene. It is predicted to duplicate a segment including the initiation codon, therefore its impact on the encoded protein is unknown. The variant was absent in 21694 control chromosomes. The available data on variant occurrences in the general population are insufficient to allow any conclusion about variant significance. To our knowledge, no occurrence of c.(?_-228)_(1782+1_1783-1)dup in individuals affected with Intellectual Disability, Autosomal Recessive 47 and no experimental evidence demonstrating its impact on protein function have been reported. No submitters have cited clinical-significance assessments for this variant to ClinVar. Based on the evidence outlined above, the variant was classified as uncertain significance.

NC_000001.10:g.(?_240255182)_(240286646_240341220)dup

Gene: FMN2 (formin 2; plus strand). Cytogenetic location: 1q43.
Variant type: Duplication.
Identifiers: ClinVar variation 3895914 (VCV003895914.1).